The following is an entry in ClinVar:

ClinVar aggregate classification (germline): Uncertain significance (1 of 4 stars; one submission).

Conditions:
Inborn genetic diseases. Identifiers: MedGen C0950123, MeSH D030342.

Submission:

Ambry Genetics
Classification: Uncertain significance for Inborn genetic diseases. Last evaluated: 2026-07-09. Review status: criteria provided, single submitter. Criteria: Ambry Variant Classification Scheme 2023. Collection method: clinical testing. Allele origin: germline.
Comment: The p.S216A variant (also known as c.646T>G), located in coding exon 5 of the CDH2 gene, results from a T to G substitution at nucleotide position 646. The serine at codon 216 is replaced by alanine, an amino acid with similar properties. This amino acid position is conserved. In addition, the in silico prediction for this alteration is inconclusive. Based on the available evidence, the clinical significance of this variant remains unclear.

NM_001792.5(CDH2):c.646T>G (p.Ser216Ala)

Gene: CDH2 (cadherin 2; minus strand). Cytogenetic location: 18q12.1.
Variant type: single nucleotide variant.
Coding change: c.646T>G on transcript NM_001792.5 (MANE Select); coding-DNA position 646, T replaced by G.
Protein change: p.Ser216Ala; replaces serine 216 with alanine.
Molecular consequence: missense variant.
Genome position (GRCh38, 1-based): chr18:28,009,773, A>C on the plus strand (T>G on the coding strand, the complement: CDH2 is on the minus strand). VCF-style: chr18-28009773-A-C. GRCh37 (hg19) VCF-style: chr18-25589737-A-C.
Other names: c.553T>G, p.Ser185Ala (NM_001308176.2); short protein forms S185A, S216A.
Identifiers: ClinVar variation 5034029 (VCV005034029.1).